The following is an entry in ClinVar:

ClinVar aggregate classification (germline): Pathogenic (1 of 4 stars; one submission).

Allele frequency attached by ClinVar (database versions not stated): gnomAD exomes below 0.00001; ExAC 0.00002.

Submission:

Labcorp Genetics (formerly Invitae), Labcorp
Classification: Pathogenic. Last evaluated: 2023-04-14. Review status: criteria provided, single submitter. Criteria: Invitae Variant Classification Sherloc (09022015). Collection method: clinical testing. Allele origin: germline.
Comment: For these reasons, this variant has been classified as Pathogenic. This variant has not been reported in the literature in individuals affected with ANO10-related conditions. This variant is present in population databases (rs746979388, gnomAD 0.004%). This sequence change creates a premature translational stop signal (p.Val422Serfs*2) in the ANO10 gene. It is expected to result in an absent or disrupted protein product. Loss-of-function variants in ANO10 are known to be pathogenic (PMID: 25089919).

Literature cited by the submitters: PubMed 25089919.

NM_018075.5(ANO10):c.1264del (p.Val422fs)

Gene: ANO10 (anoctamin 10; minus strand). Cytogenetic location: 3p22.1.
Variant type: Deletion.
Coding change: c.1264del on transcript NM_018075.5 (MANE Select); coding-DNA position 1264, one base deleted (G; older notation c.1264delG).
Protein change: p.Val422fs; shifts the reading frame from valine 422.
Molecular consequence: frameshift variant.
Genome position (GRCh38, 1-based): chr3:43,565,682, C deleted on the plus strand (G on the coding strand, the reverse complement: ANO10 is on the minus strand). VCF-style (leftmost placement, unchanged base first): chr3-43565681-AC-A. GRCh37 (hg19) VCF-style: chr3-43607173-AC-A.
Other names: c.1264del, p.Val422fs (NM_001204831.3, NM_001346463.2, NM_001346464.2 and 3 more transcripts); c.1066del, p.Val356fs (NM_001204832.3, NM_001346466.2, NM_001346469.2); c.931del, p.Val311fs (NM_001204833.3); c.694del, p.Val232fs (NM_001204834.3); short protein forms V232fs, V356fs, V422fs, V311fs.
Identifiers: ClinVar variation 2856009 (VCV002856009.3), dbSNP rs746979388, ClinGen allele CA2340825.